The following is an entry in ClinVar:

ClinVar aggregate classification (germline): Pathogenic (1 of 4 stars; one submission).

Conditions:
Familial thoracic aortic aneurysm and aortic dissection (TAAD). Also called: Thoracic aortic aneurysms and dissections. Identifiers: Orphanet 91387, MedGen C4707243, MONDO:0019625.

Submission:

Ambry Genetics
Classification: Pathogenic for Familial thoracic aortic aneurysm and aortic dissection. Last evaluated: 2015-09-11. Review status: criteria provided, single submitter. Criteria: Ambry Variant Classification Scheme 2023. Collection method: clinical testing. Allele origin: germline.
Comment: The c.6331delT variant, located in coding exon 51 of the FBN1 gene, results from a deletion of one nucleotide at nucleotide position 6331, causing a translational frameshift with a predicted alternate stop codon. Since frameshifts are typically deleterious in nature, this alteration is interpreted as a disease-causing mutation (ACMG Recommendations for Standards for Interpretation and Reporting of Sequence Variations. Revision 2007. Genet Med. 2008;10:294).

NM_000138.5(FBN1):c.6331del (p.Cys2111fs)

Gene: FBN1 (fibrillin 1; minus strand). Cytogenetic location: 15q21.1.
Variant type: Deletion.
Coding change: c.6331del on transcript NM_000138.5 (MANE Select); coding-DNA position 6331, one base deleted (T; older notation c.6331delT).
Protein change: p.Cys2111fs; shifts the reading frame from cysteine 2111.
Molecular consequence: frameshift variant.
Genome position (GRCh38, 1-based): chr15:48,437,370, A deleted on the plus strand (T on the coding strand, the reverse complement: FBN1 is on the minus strand). VCF-style (leftmost placement, unchanged base first): chr15-48437369-CA-C. GRCh37 (hg19) VCF-style: chr15-48729566-CA-C.
Other names: c.6331delT, p.Cys2111Valfs (NM_001406716.1); short protein forms C2111fs.
Identifiers: ClinVar variation 1752910 (VCV001752910.2), dbSNP rs2493852190, ClinGen allele CA2580089566.